The following is an entry in ClinVar:

ClinVar aggregate classification (germline): Uncertain significance (1 of 4 stars; one submission).

Conditions:
Intellectual developmental disorder 61. Also called: INTELLECTUAL DEVELOPMENTAL DISORDER, AUTOSOMAL DOMINANT 61; MENTAL RETARDATION, AUTOSOMAL DOMINANT 61. Identifiers: MedGen C5231400, MONDO:0032485, OMIM 618009.

Submission:

Laboratorio de Genetica e Diagnostico Molecular, Hospital Israelita Albert Einstein
Classification: Uncertain significance for Intellectual developmental disorder 61. Last evaluated: 2025-07-15. Review status: criteria provided, single submitter. Criteria: ACMG Guidelines, 2015. Collection method: clinical testing. Allele origin: germline. Affected: yes.
Comment: ACMG classification criteria: PM2 supporting, PP2 supporting, PP3 supporting

NM_005121.3(MED13):c.338A>G (p.Tyr113Cys)

Gene: MED13 (mediator complex subunit 13; minus strand). Cytogenetic location: 17q23.2.
Variant type: single nucleotide variant.
Coding change: c.338A>G on transcript NM_005121.3 (MANE Select); coding-DNA position 338, A replaced by G.
Protein change: p.Tyr113Cys; replaces tyrosine 113 with cysteine.
Molecular consequence: missense variant.
Genome position (GRCh38, 1-based): chr17:62,052,669, T>C on the plus strand (A>G on the coding strand, the complement: MED13 is on the minus strand). VCF-style: chr17-62052669-T-C. GRCh37 (hg19) VCF-style: chr17-60130030-T-C.
Other names: short protein forms Y113C.
Identifiers: ClinVar variation 4846853 (VCV004846853.1).